The following is an entry in ClinVar:

NM_002386.4(MC1R):c.146G>A (p.Gly49Glu)

Gene: MC1R (melanocortin 1 receptor; plus strand). Cytogenetic location: 16q24.3.
Variant type: single nucleotide variant.
Coding change: c.146G>A on transcript NM_002386.4 (MANE Select); coding-DNA position 146, G replaced by A.
Protein change: p.Gly49Glu; replaces glycine 49 with glutamic acid.
Molecular consequence: missense variant.
Genome position (GRCh38, 1-based): chr16:89,919,404, G>A. VCF-style: chr16-89919404-G-A. GRCh37 (hg19) VCF-style: chr16-89985812-G-A.
Other names: c.146G>A (NM_002386.3); short protein forms G49E.
Identifiers: ClinVar variation 1410481 (VCV001410481.7), dbSNP rs764580616, ClinGen allele CA397459540.

ClinVar aggregate classification (germline): Uncertain significance. Review status: criteria provided, multiple submitters, no conflicts (2 of 4 stars). 2 submissions from 2 submitters: Uncertain significance (2). Last evaluated 2025-12-18.

Conditions:
Melanoma, cutaneous malignant, susceptibility to, 5. Also called: Cutaneous malignant melanoma 5. Identifiers: Orphanet 618, MedGen C2751295, MONDO:0013133, OMIM 613099.

Submissions (2):

Ambry Genetics
Classification: Uncertain significance. Last evaluated: 2025-12-18. Review status: criteria provided, single submitter. Criteria: Ambry Variant Classification Scheme 2023. Collection method: clinical testing. Allele origin: germline.
Comment: The p.G49E variant (also known as c.146G>A), located in coding exon 1 of the MC1R gene, results from a G to A substitution at nucleotide position 146. The glycine at codon 49 is replaced by glutamic acid, an amino acid with similar properties. This amino acid position is conserved. In addition, this alteration is predicted to be tolerated by in silico analysis. Based on the available evidence, the clinical significance of this variant remains unclear.

Labcorp Genetics (formerly Invitae), Labcorp
Classification: Uncertain significance for Melanoma, cutaneous malignant, susceptibility to, 5. Last evaluated: 2021-10-02. Review status: criteria provided, single submitter. Criteria: Invitae Variant Classification Sherloc (09022015). Collection method: clinical testing. Allele origin: germline.
Comment: In summary, the available evidence is currently insufficient to determine the role of this variant in disease. Therefore, it has been classified as a Variant of Uncertain Significance. Algorithms developed to predict the effect of missense changes on protein structure and function are either unavailable or do not agree on the potential impact of this missense change (SIFT: "Deleterious"; PolyPhen-2: "Benign"; Align-GVGD: "Class C65"). This variant has not been reported in the literature in individuals affected with MC1R-related conditions. This variant is not present in population databases (ExAC no frequency). This sequence change replaces glycine with glutamic acid at codon 49 of the MC1R protein (p.Gly49Glu). The glycine residue is highly conserved and there is a moderate physicochemical difference between glycine and glutamic acid.